The following is an entry in ClinVar:

ClinVar aggregate classification (germline): Likely benign. Review status: criteria provided, single submitter (1 of 4 stars). 2 submissions from 2 submitters: Likely benign (1). 1 of the submissions does not count toward it. Last evaluated 2025-10-20.

Conditions:
Intellectual disability, autosomal recessive 53 (NEDHSCA). Also called: NEURODEVELOPMENTAL DISORDER WITH OR WITHOUT HYPOTONIA, SEIZURES, AND CEREBELLAR ATROPHY; GLYCOSYLPHOSPHATIDYLINOSITOL BIOSYNTHESIS DEFECT 13; Mental retardation, autosomal recessive 53. Identifiers: Orphanet 488635, MedGen C4310794, MONDO:0014832, OMIM 616917.
PIGG-related disorder. Also called: PIGG-related condition.

Allele frequency attached by ClinVar (database versions not stated): ExAC 0.00002; gnomAD exomes 0.00002; gnomAD 0.00003; TOPMed 0.00011; 1000 Genomes Project 0.00020; 1000 Genomes Project 30x 0.00031.
gnomAD v4.1: 38 of 1,613,628 alleles (0.0024%); highest among the groups gnomAD compares: Middle Eastern, 0.017%; no homozygotes.

Submissions (2):

Labcorp Genetics (formerly Invitae), Labcorp
Classification: Likely benign for Intellectual disability, autosomal recessive 53. Last evaluated: 2025-10-20. Review status: criteria provided, single submitter. Criteria: Invitae Variant Classification Sherloc (09022015). Collection method: clinical testing. Allele origin: germline.

PreventionGenetics, part of Exact Sciences
Classification: Likely benign for PIGG-related condition. Last evaluated: 2024-09-14. Review status: no assertion criteria provided. Collection method: clinical testing. Allele origin: germline. Not counted in ClinVar's aggregate classification.
Comment: This variant is classified as likely benign based on ACMG/AMP sequence variant interpretation guidelines (Richards et al. 2015 PMID: 25741868, with internal and published modifications).

NM_001127178.3(PIGG):c.2445G>A (p.Pro815=)

Gene: PIGG (phosphatidylinositol glycan anchor biosynthesis class G (EMM blood group); plus strand). Cytogenetic location: 4p16.3.
Variant type: single nucleotide variant.
Coding change: c.2445G>A on transcript NM_001127178.3 (MANE Select); coding-DNA position 2445, G replaced by A.
Protein change: p.Pro815=; no amino-acid change (proline 815 retained).
Molecular consequence: synonymous variant. On other transcripts: non-coding transcript variant (6).
Genome position (GRCh38, 1-based): chr4:530,619, G>A. VCF-style: chr4-530619-G-A. GRCh37 (hg19) VCF-style: chr4-524408-G-A.
Other names: c.2178G>A, p.Pro726= (NM_001289051.2, NM_001345986.2); c.2046G>A, p.Pro682= (NM_001289052.2); c.2154G>A, p.Pro718= (NM_001345987.2); c.1416G>A, p.Pro472= (NM_001345988.2); c.912G>A, p.Pro304= (NM_001345990.2, NM_001345991.2); c.1347G>A, p.Pro449= (NM_001345994.2); c.2421G>A, p.Pro807= (NM_017733.5); c.2445G>A (NM_001127178.2).
Identifiers: ClinVar variation 2063181 (VCV002063181.5), dbSNP rs202141322, ClinGen allele CA2793635.